The following is an entry in ClinVar:

ClinVar aggregate classification (germline): Conflicting classifications of pathogenicity. Review status: criteria provided, conflicting classifications (1 of 4 stars). 7 submissions from 7 submitters: Pathogenic (2); Likely pathogenic (3); Uncertain significance (2). Last evaluated 2026-07-28.

Conditions:
Autosomal recessive Alport syndrome (ATS2). Also called: Alport syndrome type 2; COL4A4 Alport Syndrome and Thin Basement Membrane Nephropathy; COL4A3-Related Nephropathy; ALPORT SYNDROME 2, AUTOSOMAL RECESSIVE. Identifiers: Orphanet 63, Orphanet 88919, MedGen C4746745, MONDO:0008762, OMIM 203780.
Hematuria, benign familial, 1 (BFH1). Also called: THIN MEMBRANE NEPHROPATHY. Identifiers: MedGen CN376803, MONDO:0007709, OMIM 141200.
Inborn genetic diseases. Identifiers: MedGen C0950123, MeSH D030342.
Alport syndrome. Also called: Hemorrhagic familial nephritis; Hemorrhagic hereditary nephritis; Congenital hereditary hematuria. Identifiers: Orphanet 63, MedGen C1567741, MONDO:0018965.

Allele frequency attached by ClinVar (database versions not stated): TOPMed 0.00013; ExAC 0.00003; gnomAD exomes 0.00004 and 0.00002; gnomAD 0.00011 and 0.00009.
gnomAD v4.1: 45 of 1,578,968 alleles (0.0028%); highest among the groups gnomAD compares: African/African-American, 0.049%; no homozygotes.

Submissions (7):

GeneDx
Classification: Uncertain significance. Last evaluated: 2026-07-28. Review status: criteria provided, single submitter. Criteria: GeneDx Variant Classification Process June 2021. Collection method: clinical testing. Allele origin: germline.
Comment: Affects a glycine residue in a Gly-X-Y motif in the triple helical region of the COL4A4 gene; In silico analysis supports that this missense variant has a deleterious effect on protein structure/function; This variant is associated with the following publications: (PMID: 36938085, 37895203, 39806488)

Women's Health and Genetics/Laboratory Corporation of America, LabCorp
Classification: Pathogenic for Autosomal recessive Alport syndrome. Last evaluated: 2026-05-01. Review status: criteria provided, single submitter. Criteria: LabCorp Variant Classification Summary - May 2015. Collection method: clinical testing. Allele origin: germline.
Comment: Variant summary: COL4A4 c.338G>A (p.Gly113Asp) results in a non-conservative amino acid change in the encoded protein sequence. Algorithms developed to predict the effect of missense changes on protein structure and function all suggest that this variant is likely to be disruptive. The variant allele was found at a frequency of 4e-05 in 226284 control chromosomes. c.338G>A has been observed as a biallelic genotype in multiple individuals affected with autosomal recessive Alport Syndrome and in multiple heterozygous individuals with clinical features of autosomal dominant Alport Syndrome (e.g. Levy_2023, internal data). These data indicate that the variant is very likely to be associated with disease. To our knowledge, no experimental evidence demonstrating an impact on protein function has been reported. The following publication have been ascertained in the context of this evaluation (PMID: 37895203). ClinVar contains an entry for this variant (Variation ID: 970268). Based on the evidence outlined above, the variant was classified as pathogenic for both autosomal recessive and autosomal dominant Alport Syndrome.

Labcorp Genetics (formerly Invitae), Labcorp
Classification: Likely pathogenic. Last evaluated: 2026-01-19. Review status: criteria provided, single submitter. Criteria: Invitae Variant Classification Sherloc (09022015). Collection method: clinical testing. Allele origin: germline.
Comment: This sequence change replaces glycine, which is neutral and non-polar, with aspartic acid, which is acidic and polar, at codon 113 of the COL4A4 protein (p.Gly113Asp). This variant is present in population databases (rs766085522, gnomAD 0.05%). This missense change has been observed in individuals with clinical features of Alport syndrome (PMID: 37895203; internal data). ClinVar contains an entry for this variant (Variation ID: 970268). Invitae Evidence Modeling of protein sequence and biophysical properties (such as structural, functional, and spatial information, amino acid conservation, physicochemical variation, residue mobility, and thermodynamic stability) indicates that this missense variant is expected to disrupt COL4A4 protein function with a positive predictive value of 95%. In summary, the currently available evidence indicates that the variant is pathogenic, but additional data are needed to prove that conclusively. Therefore, this variant has been classified as Likely Pathogenic.

Variantyx, Inc.
Classification: Likely pathogenic for Autosomal recessive Alport syndrome. Last evaluated: 2025-09-15. Review status: criteria provided, single submitter. Criteria: Variantyx Assertion Criteria 2022. Collection method: clinical testing. Allele origin: germline. Inheritance: Autosomal recessive inheritance. Affected: yes.
Comment: This is a nonsynonymous variant in the COL4A4 gene (OMIM: 120131). Pathogenic variants in this gene have been associated with autosomal recessive COL4A4-related Alport spectrum. This variant lies within a known hotspot for pathogenic variants or a well-established critical functional domain of the COL4A4 protein (PMID: 28098982, 33854215) (PM1_Strong), and multiple computational algorithms predict a deleterious effect for this variant (REVEL score: 0.959) (PP3). This variant has been reported in monoallelic and biallelic state in patients with Alport syndrome of Jewish Bukharian ancestry (PMID: 37895203), and it has been reported in monoallelic and biallelic state in patients with Alport syndrome of Jewish Bukharian ancestry (PMID: 37895203). This variant has a 0.0488% maximum allele frequency in non-founder control populations. Based on the current evidence, this variant is classified as likely pathogenic for autosomal recessive COL4A4-related Alport spectrum. Heterozygous carriers of pathogenic variants typically present with isolated, benign hematuria and penetrance is incomplete (PMID: 36090501, 30450445, 29551517).

Natera, Inc.
Classification: Likely pathogenic for Alport syndrome. Last evaluated: 2025-08-23. Review status: criteria provided, single submitter. Criteria: Natera Variant Classification Schema (03/2026). Collection method: clinical testing. Allele origin: germline.
Comment: The c.338G>A variant in COL4A4 is a missense variant predicted to cause substitution of glycine to aspartic acid at amino acid 113. This variant is rare in the general population with a frequency below the threshold expected for the associated phenotype(s). This variant has been observed in one or more individuals affected with the associated recessive disease, as either homozygous or compound heterozygous with a second variant (PMID: 37895203). This variant is located in a functionally critical region of the protein. Computational prediction algorithms indicate this variant is likely to affect gene or protein function. Given the available evidence, this variant is classified as Likely Pathogenic.

Fulgent Genetics
Classification: Pathogenic for Hematuria, benign familial, 1; Autosomal recessive Alport syndrome. Last evaluated: 2024-02-08. Review status: criteria provided, single submitter. Criteria: ACMG Guidelines, 2015. Collection method: clinical testing. Allele origin: germline.

Ambry Genetics
Classification: Uncertain significance for Inborn genetic diseases. Last evaluated: 2021-07-27. Review status: criteria provided, single submitter. Criteria: Ambry Variant Classification Scheme 2023. Collection method: clinical testing. Allele origin: germline.

Literature cited by the submitters: PubMed 37895203 (cited by 4 submitters); PubMed 28098982 (cited by Variantyx, Inc.); PubMed 33854215 (cited by Variantyx, Inc.); PubMed 36090501 (cited by Variantyx, Inc.); PubMed 30450445 (cited by Variantyx, Inc.); PubMed 29551517 (cited by Variantyx, Inc.).

NM_000092.5(COL4A4):c.338G>A (p.Gly113Asp)

Gene: COL4A4 (collagen type IV alpha 4 chain; minus strand). Cytogenetic location: 2q36.3.
Variant type: single nucleotide variant.
Coding change: c.338G>A on transcript NM_000092.5 (MANE Select); coding-DNA position 338, G replaced by A.
Protein change: p.Gly113Asp; replaces glycine 113 with aspartic acid.
Molecular consequence: missense variant.
Genome position (GRCh38, 1-based): chr2:227,119,929, C>T on the plus strand (G>A on the coding strand, the complement: COL4A4 is on the minus strand). VCF-style: chr2-227119929-C-T. GRCh37 (hg19) VCF-style: chr2-227984645-C-T.
Other names: short protein forms G113D.
Identifiers: ClinVar variation 970268 (VCV000970268.15), dbSNP rs766085522, ClinGen allele CA2145693.
Genomic context (GRCh38, chr2:227,119,929, plus strand): 5'-AGTGGAGAAAATTTAGGGATACTTACAGGTATGCCATCTAAACCTGGAAATCCAGGAACA[C>T]CAGTTGGACCCTAAAATCCCAGAAAATAAAACAAAGAGATAAAAATTATTAAATTAATAA-3'
Protein context (NP_000083.3, residues 103-123): AGDKGDKGPT[Gly113Asp]VPGFPGLDGI